The following is an entry in ClinVar:

ClinVar aggregate classification (germline): Uncertain significance (1 of 4 stars; one submission).

Conditions:
Ullrich congenital muscular dystrophy 2 (UCMD2). Identifiers: Orphanet 75840, MedGen C4225314, MONDO:0014654, OMIM 616470.
Bethlem myopathy 2 (BTHLM2). Identifiers: Orphanet 536516, Orphanet 610, MedGen C4225313, MONDO:0034022, OMIM 616471.

Allele frequency attached by ClinVar (database versions not stated): gnomAD exomes below 0.00001; TOPMed 0.00001.
gnomAD v4.1: 2 of 1,612,422 alleles (0.00012%); highest among the groups gnomAD compares: Non-Finnish European, 0.00017%; no homozygotes.

Submission:

Labcorp Genetics (formerly Invitae), Labcorp
Classification: Uncertain significance for Bethlem myopathy 2; Ullrich congenital muscular dystrophy 2. Last evaluated: 2022-02-05. Review status: criteria provided, single submitter. Criteria: Invitae Variant Classification Sherloc (09022015). Collection method: clinical testing. Allele origin: germline.
Comment: This sequence change replaces threonine, which is neutral and polar, with alanine, which is neutral and non-polar, at codon 2349 of the COL12A1 protein (p.Thr2349Ala). This variant is not present in population databases (gnomAD no frequency). In summary, the available evidence is currently insufficient to determine the role of this variant in disease. Therefore, it has been classified as a Variant of Uncertain Significance. Algorithms developed to predict the effect of missense changes on protein structure and function are either unavailable or do not agree on the potential impact of this missense change (SIFT: "Deleterious"; PolyPhen-2: "Probably Damaging"; Align-GVGD: "Class C0"). ClinVar contains an entry for this variant (Variation ID: 942945). This variant has not been reported in the literature in individuals affected with COL12A1-related conditions.

NM_004370.6(COL12A1):c.7045A>G (p.Thr2349Ala)

Gene: COL12A1 (collagen type XII alpha 1 chain; minus strand). Cytogenetic location: 6q13.
Variant type: single nucleotide variant.
Coding change: c.7045A>G on transcript NM_004370.6 (MANE Select); coding-DNA position 7045, A replaced by G.
Protein change: p.Thr2349Ala; replaces threonine 2349 with alanine.
Molecular consequence: missense variant.
Genome position (GRCh38, 1-based): chr6:75,121,343, T>C on the plus strand (A>G on the coding strand, the complement: COL12A1 is on the minus strand). VCF-style: chr6-75121343-T-C. GRCh37 (hg19) VCF-style: chr6-75831059-T-C.
Other names: c.3553A>G, p.Thr1185Ala (NM_080645.3); short protein forms T2349A, T1185A.
Identifiers: ClinVar variation 942945 (VCV000942945.10), dbSNP rs1765717648, ClinGen allele CA364749835.
Genomic context (GRCh38, chr6:75,121,343, plus strand): 5'-CTGGCGGAATGACACTAACCTGAATCCCAGCAGGACTGATTTCATCAAAGCCTCCCACAG[T>C]ATTGAAGATGAATTTTACAACTTTGTTAAAATTATCGTCCCCAATGCTCCAGGAGGCATC-3'
Protein context (NP_004361.3, residues 2339-2359): FNKVVKFIFN[Thr2349Ala]VGGFDEISPA